The following is an entry in ClinVar:

NM_018451.5(CPAP):c.3367-12T>C

Genes: CPAP (centrosome assembly and centriole elongation protein; minus strand), RNF17 (ring finger protein 17; plus strand). Cytogenetic location: 13q12.12.
Variant type: single nucleotide variant.
Coding change: c.3367-12T>C on transcript NM_018451.5 (MANE Select); 12 bases into the intron before coding-DNA position 3367, T replaced by C.
Molecular consequence: intron variant.
Genome position (GRCh38, 1-based): chr13:24,885,398, A>G on the plus strand (T>C on the coding strand, the complement: CPAP is on the minus strand). VCF-style: chr13-24885398-A-G. GRCh37 (hg19) VCF-style: chr13-25459536-A-G.
Identifiers: ClinVar variation 158209 (VCV000158209.20), dbSNP rs3742163, ClinGen allele CA171695.
Genomic context (GRCh38, chr13:24,885,398, plus strand): 5'-CAGGATCTGGGAAGTTCAGTGGTTCAAGTGGCTCCCTGGGAGAGGCAGCCTGTAAGCACA[A>G]CACATTTCAAGCAGCTAAAACCTACTCTTACTTCCAAAGCCAGATTCTGATATAGGGTTC-3'

ClinVar aggregate classification (germline): Benign. Review status: criteria provided, multiple submitters, no conflicts (2 of 4 stars). 7 submissions from 6 submitters: Benign (7). Last evaluated 2026-02-01.

Conditions:
Seckel syndrome 4 (SCKL4). Identifiers: Orphanet 808, MedGen C3888212, MONDO:0013358, OMIM 613676.
Microcephaly 6, primary, autosomal recessive. Identifiers: Orphanet 2512, MedGen C1842109, MONDO:0012029, OMIM 608393.

Allele frequency attached by ClinVar (database versions not stated): ESP Exome Variant Server 0.00062; gnomAD 0.00421 and 0.00532; gnomAD exomes 0.00463 and 0.01147; TOPMed 0.00708; ExAC 0.01059; 1000 Genomes Project 30x 0.01905; 1000 Genomes Project 0.01937.
gnomAD v4.1: 7,464 of 1,575,374 alleles (0.47%); highest among the groups gnomAD compares: East Asian, 10%; 260 homozygotes.

Submissions (7):

Labcorp Genetics (formerly Invitae), Labcorp
Classification: Benign. Last evaluated: 2026-02-01. Review status: criteria provided, single submitter. Criteria: Invitae Variant Classification Sherloc (09022015). Collection method: clinical testing. Allele origin: germline.

Illumina Laboratory Services, Illumina
Classification: Benign for Seckel syndrome 4. Last evaluated: 2018-01-13. Review status: criteria provided, single submitter. Criteria: ICSL Variant Classification Criteria 13 December 2019. Collection method: clinical testing. Allele origin: germline.
Comment: This variant was observed in the ICSL laboratory as part of a predisposition screen in an ostensibly healthy population. It had not been previously curated by ICSL or reported in the Human Gene Mutation Database (HGMD: prior to June 1st, 2018), and was therefore a candidate for classification through an automated scoring system. Utilizing variant allele frequency, disease prevalence and penetrance estimates, and inheritance mode, an automated score was calculated to assess if this variant is too frequent to cause the disease. Based on the score and internal cut-off values, a variant classified as benign is not then subjected to further curation. The score for this variant resulted in a classification of benign for this disease.

Illumina Laboratory Services, Illumina
Classification: Benign for Microcephaly 6, primary, autosomal recessive. Last evaluated: 2018-01-13. Review status: criteria provided, single submitter. Criteria: ICSL Variant Classification Criteria 13 December 2019. Collection method: clinical testing. Allele origin: germline.
Comment: the same text as in the submission from Illumina Laboratory Services, Illumina above.

GeneDx
Classification: Benign. Last evaluated: 2015-03-03. Review status: criteria provided, single submitter. Criteria: GeneDx Variant Classification Process June 2021. Collection method: clinical testing. Allele origin: germline. Affected: yes.

Genetic Services Laboratory, University of Chicago
Classification: Benign. Last evaluated: 2013-02-08. Review status: criteria provided, single submitter. Criteria: ACMG Guidelines, 2007. Collection method: clinical testing. Allele origin: germline. Inheritance: Autosomal recessive inheritance.

Breakthrough Genomics
Classification: Benign. Review status: criteria provided, single submitter. Criteria: ACMG Guidelines, 2015. Collection method: not provided. Allele origin: germline. Inheritance: Autosomal recessive inheritance. Affected: yes.

PreventionGenetics, part of Exact Sciences
Classification: Benign. Review status: criteria provided, single submitter. Criteria: ACMG Guidelines, 2015. Collection method: clinical testing. Allele origin: germline.